The following is an entry in ClinVar:

ClinVar aggregate classification (germline): Uncertain significance. Review status: criteria provided, multiple submitters, no conflicts (2 of 4 stars). 5 submissions from 3 submitters: Uncertain significance (5). Last evaluated 2022-09-06.

Conditions:
Age related macular degeneration 9. Identifiers: MedGen C1969651, MONDO:0012659, OMIM 611378.
Complement component 3 deficiency. Identifiers: Orphanet 280133, MedGen C3151071, MONDO:0013417, OMIM 613779.
Atypical hemolytic-uremic syndrome with C3 anomaly. Also called: AHUS, SUSCEPTIBILITY TO, 5. Identifiers: Orphanet 2134, MedGen C2752037, MONDO:0013043, OMIM 612925.

Allele frequency attached by ClinVar (database versions not stated): TOPMed 0.00001.
gnomAD v4.1: 64 of 1,613,798 alleles (0.004%); highest among the groups gnomAD compares: East Asian, 0.14%; no homozygotes.

Submissions (5):

Labcorp Genetics (formerly Invitae), Labcorp
Classification: Uncertain significance. Last evaluated: 2022-09-06. Review status: criteria provided, single submitter. Criteria: Invitae Variant Classification Sherloc (09022015). Collection method: clinical testing. Allele origin: germline.
Comment: This sequence change replaces isoleucine, which is neutral and non-polar, with methionine, which is neutral and non-polar, at codon 900 of the C3 protein (p.Ile900Met). This variant is present in population databases (rs763155610, gnomAD 0.02%). This variant has not been reported in the literature in individuals affected with C3-related conditions. ClinVar contains an entry for this variant (Variation ID: 330302). Algorithms developed to predict the effect of missense changes on protein structure and function are either unavailable or do not agree on the potential impact of this missense change (SIFT: "Deleterious"; PolyPhen-2: "Possibly Damaging"; Align-GVGD: "Class C0"). In summary, the available evidence is currently insufficient to determine the role of this variant in disease. Therefore, it has been classified as a Variant of Uncertain Significance.

Mayo Clinic Laboratories, Mayo Clinic
Classification: Uncertain significance. Last evaluated: 2022-02-10. Review status: criteria provided, single submitter. Criteria: ACMG Guidelines, 2015. Collection method: clinical testing. Allele origin: germline. Observed: 1 variant allele.

Illumina Laboratory Services, Illumina
Classification: Uncertain significance for Age related macular degeneration 9. Last evaluated: 2018-01-13. Review status: criteria provided, single submitter. Criteria: ICSL Variant Classification Criteria 13 December 2019. Collection method: clinical testing. Allele origin: germline.

Illumina Laboratory Services, Illumina
Classification: Uncertain significance for Atypical hemolytic-uremic syndrome with C3 anomaly. Last evaluated: 2018-01-13. Review status: criteria provided, single submitter. Criteria: ICSL Variant Classification Criteria 13 December 2019. Collection method: clinical testing. Allele origin: germline.

Illumina Laboratory Services, Illumina
Classification: Uncertain significance for Complement component 3 deficiency. Last evaluated: 2018-01-13. Review status: criteria provided, single submitter. Criteria: ICSL Variant Classification Criteria 13 December 2019. Collection method: clinical testing. Allele origin: germline.

NM_000064.4(C3):c.2700C>G (p.Ile900Met)

Gene: C3 (complement C3; minus strand). Cytogenetic location: 19p13.3.
Variant type: single nucleotide variant.
Coding change: c.2700C>G on transcript NM_000064.4 (MANE Select); coding-DNA position 2700, C replaced by G.
Protein change: p.Ile900Met; replaces isoleucine 900 with methionine.
Molecular consequence: missense variant.
Genome position (GRCh38, 1-based): chr19:6,697,440, G>C on the plus strand (C>G on the coding strand, the complement: C3 is on the minus strand). VCF-style: chr19-6697440-G-C. GRCh37 (hg19) VCF-style: chr19-6697451-G-C.
Other names: p.Ile900Met; c.2700C>G (LRG_27t1, NM_000064.3); short protein forms I900M.
Identifiers: ClinVar variation 330302 (VCV000330302.10), dbSNP rs763155610, ClinGen allele CA9128993.
Genomic context (GRCh38, chr19:6,697,440, plus strand): 5'-GAAATGATGGTAGACAGCAGCCTTGACTTCCACTTCCTGCAGGCCGGTCTTTAGCGGCAC[G>C]ATGACATATGGAACGGACAACGAGGACTTGGGGGGGATGGTTACGGTCTGCTGGTGACGC-3'
Protein context (NP_000055.2, residues 890-910): PKSSLSVPYV[Ile900Met]VPLKTGLQEV